The following is an entry in ClinVar:

ClinVar aggregate classification (germline): Uncertain significance. Review status: criteria provided, multiple submitters, no conflicts (2 of 4 stars). 4 submissions from 4 submitters: Uncertain significance (4). Last evaluated 2024-10-22.

Conditions:
Familial thoracic aortic aneurysm and aortic dissection (TAAD). Also called: Thoracic aortic aneurysms and dissections. Identifiers: Orphanet 91387, MedGen C4707243, MONDO:0019625.
Aortic aneurysm, familial thoracic 4 (AAT4). Also called: AORTIC ANEURYSM/AORTIC DISSECTION AND PATENT DUCTUS ARTERIOSUS. Identifiers: MedGen C1851504, MONDO:0007568, OMIM 132900.

Allele frequency attached by ClinVar (database versions not stated): gnomAD exomes below 0.00001.
gnomAD v4.1: 1 of 1,614,068 alleles (0.000062%); highest among the groups gnomAD compares: Non-Finnish European, 0.000085%; no homozygotes.

Submissions (4):

Labcorp Genetics (formerly Invitae), Labcorp
Classification: Uncertain significance for Aortic aneurysm, familial thoracic 4. Last evaluated: 2024-10-22. Review status: criteria provided, single submitter. Criteria: Invitae Variant Classification Sherloc (09022015). Collection method: clinical testing. Allele origin: germline.
Comment: This sequence change replaces threonine, which is neutral and polar, with serine, which is neutral and polar, at codon 1327 of the MYH11 protein (p.Thr1327Ser). This variant is not present in population databases (gnomAD no frequency). This variant has not been reported in the literature in individuals affected with MYH11-related conditions. ClinVar contains an entry for this variant (Variation ID: 922963). Invitae Evidence Modeling of protein sequence and biophysical properties (such as structural, functional, and spatial information, amino acid conservation, physicochemical variation, residue mobility, and thermodynamic stability) indicates that this missense variant is not expected to disrupt MYH11 protein function with a negative predictive value of 95%. In summary, the available evidence is currently insufficient to determine the role of this variant in disease. Therefore, it has been classified as a Variant of Uncertain Significance.

Color Diagnostics, LLC DBA Color Health
Classification: Uncertain significance for Familial thoracic aortic aneurysm and aortic dissection. Last evaluated: 2023-12-05. Review status: criteria provided, single submitter. Criteria: ACMG Guidelines, 2015. Collection method: clinical testing. Allele origin: germline.
Comment: Variant of Uncertain Significance due to insufficient evidence: This missense variant is located in the coiled coil myosin tail domain of the MYH11 protein. Computational prediction tools and conservation analyses are inconclusive regarding the impact of this variant on the protein function. Computational splicing tools suggest that this variant may not impact RNA splicing. To our knowledge, functional assays have not been performed for this variant nor has this variant been reported in individuals affected with cardiovascular disorders in the literature. This variant is rare in the general population and has been identified in 0/277264 chromosomes by the Genome Aggregation Database (gnomAD). Available evidence is insufficient to determine the role of this variant in disease conclusively.

Ambry Genetics
Classification: Uncertain significance for Familial thoracic aortic aneurysm and aortic dissection. Last evaluated: 2022-10-07. Review status: criteria provided, single submitter. Criteria: Ambry Variant Classification Scheme 2023. Collection method: clinical testing. Allele origin: germline.
Comment: The p.T1320S variant (also known as c.3959C>G), located in coding exon 28 of the MYH11 gene, results from a C to G substitution at nucleotide position 3959. The threonine at codon 1320 is replaced by serine, an amino acid with similar properties. This amino acid position is conserved. In addition, this alteration is predicted to be tolerated by in silico analysis. Since supporting evidence is limited at this time, the clinical significance of this alteration remains unclear.

GeneDx
Classification: Uncertain significance. Last evaluated: 2022-08-15. Review status: criteria provided, single submitter. Criteria: GeneDx Variant Classification Process June 2021. Collection method: clinical testing. Allele origin: germline. Affected: yes.
Comment: Not observed at significant frequency in large population cohorts (gnomAD); In silico analysis supports that this missense variant does not alter protein structure/function; Has not been previously published as pathogenic or benign to our knowledge

NM_002474.3(MYH11):c.3959C>G (p.Thr1320Ser)

Genes: MYH11 (myosin heavy chain 11; minus strand), NDE1 (nudE neurodevelopment protein 1; plus strand). Cytogenetic location: 16p13.11.
Variant type: single nucleotide variant.
Coding change: c.3959C>G on transcript NM_002474.3 (MANE Select); coding-DNA position 3959, C replaced by G.
Protein change: p.Thr1320Ser; replaces threonine 1320 with serine.
Molecular consequence: missense variant. On other transcripts: 3 prime UTR variant (2).
Genome position (GRCh38, 1-based): chr16:15,724,892, G>C on the plus strand (C>G on the coding strand, the complement: MYH11 is on the minus strand). VCF-style: chr16-15724892-G-C. GRCh37 (hg19) VCF-style: chr16-15818749-G-C.
Other names: c.3980C>G, p.Thr1327Ser (NM_001040113.2, NM_001040114.2); c.3959C>G, p.Thr1320Ser (NM_022844.3); c.*641G>C (NM_001143979.2, NM_017668.3); short protein forms T1327S, T1320S.
Identifiers: ClinVar variation 922963 (VCV000922963.10), dbSNP rs2040673806, ClinGen allele CA394858781.
Genomic context (GRCh38, chr16:15,724,892, plus strand): 5'-CTGCCCCGAGGAAGGCCACCCCCCAGGTCCCCTGGATGATGTGGCAGGACACTCACCTGG[G>C]TGTCCTGGAGCTGGGAACTGAGGGACGCCACGTCCTTGGCCAGCTTAATGGCCTTCCCCT-3'
Protein context (NP_002465.1, residues 1310-1330): VASLSSQLQD[Thr1320Ser]QELLQEETRQ